The following is an entry in ClinVar:

NM_016219.5(MAN1B1):c.1013G>C (p.Gly338Ala)

Gene: MAN1B1 (mannosidase alpha class 1B member 1; plus strand). Cytogenetic location: 9q34.3.
Variant type: single nucleotide variant.
Coding change: c.1013G>C on transcript NM_016219.5 (MANE Select); coding-DNA position 1013, G replaced by C.
Protein change: p.Gly338Ala; replaces glycine 338 with alanine.
Molecular consequence: missense variant. On other transcripts: non-coding transcript variant (2).
Genome position (GRCh38, 1-based): chr9:137,101,101, G>C. VCF-style: chr9-137101101-G-C. GRCh37 (hg19) VCF-style: chr9-139995553-G-C.
Other names: c.905G>C, p.Gly302Ala (NM_007230.1); short protein forms G302A, G338A.
Identifiers: ClinVar variation 2415497 (VCV002415497.7), dbSNP rs367593676, ClinGen allele CA201691881.
Genomic context (GRCh38, chr9:137,101,101, plus strand): 5'-TACACTTTGAAAAGGACGTGGACGTCAACCTGTTTGAGAGCACGATCCGCATCCTGGGGG[G>C]GCTCCTGAGTGCCTACCACCTGTCTGGGGACAGCCTCTTCCTGAGGAAAGCTGTAAGTGT-3'
Protein context (NP_057303.2, residues 328-348): LFESTIRILG[Gly338Ala]LLSAYHLSGD

ClinVar aggregate classification (germline): Uncertain significance (1 of 4 stars; one submission).

Conditions:
Rafiq syndrome (RAFQS). Identifiers: Orphanet 88616, MedGen C3280127, MONDO:0013624, OMIM 614202.

Allele frequency attached by ClinVar (database versions not stated): gnomAD 0.00004; ESP Exome Variant Server 0.00008.
gnomAD v4.1: 24 of 1,613,966 alleles (0.0015%); highest among the groups gnomAD compares: African/African-American, 0.016%; no homozygotes.

Submission:

Labcorp Genetics (formerly Invitae), Labcorp
Classification: Uncertain significance for Rafiq syndrome. Last evaluated: 2022-06-13. Review status: criteria provided, single submitter. Criteria: Invitae Variant Classification Sherloc (09022015). Collection method: clinical testing. Allele origin: germline.
Comment: This variant is present in population databases (rs367593676, gnomAD 0.02%). In summary, the available evidence is currently insufficient to determine the role of this variant in disease. Therefore, it has been classified as a Variant of Uncertain Significance. Algorithms developed to predict the effect of missense changes on protein structure and function are either unavailable or do not agree on the potential impact of this missense change (SIFT: "Deleterious"; PolyPhen-2: "Possibly Damaging"; Align-GVGD: "Class C0"). This variant has not been reported in the literature in individuals affected with MAN1B1-related conditions. This sequence change replaces glycine, which is neutral and non-polar, with alanine, which is neutral and non-polar, at codon 338 of the MAN1B1 protein (p.Gly338Ala).